The following is an entry in ClinVar:

NM_000548.5(TSC2):c.2680G>A (p.Ala894Thr)

Gene: TSC2 (TSC complex subunit 2; plus strand). Cytogenetic location: 16p13.3.
Variant type: single nucleotide variant.
Coding change: c.2680G>A on transcript NM_000548.5 (MANE Select); coding-DNA position 2680, G replaced by A.
Protein change: p.Ala894Thr; replaces alanine 894 with threonine.
Molecular consequence: missense variant.
Genome position (GRCh38, 1-based): chr16:2,076,108, G>A. VCF-style: chr16-2076108-G-A. GRCh37 (hg19) VCF-style: chr16-2126109-G-A.
Other names: c.2770G>A, p.Ala924Thr (NM_001406668.1, NM_001406667.1); c.2569G>A, p.Ala857Thr (NM_001406670.1, NM_001406678.1, NM_001318827.2); c.2668G>A, p.Ala890Thr (NM_001406671.1, NM_001406673.1); c.2533G>A, p.Ala845Thr (NM_001406675.1, NM_001406676.1, NM_001406679.1 and 1 more transcripts); c.2623G>A, p.Ala875Thr (NM_001406677.1); c.2080G>A, p.Ala694Thr (NM_001406680.1, NM_001318831.2, NM_001406682.1 and 6 more transcripts); c.2680G>A, p.Ala894Thr (NM_001077183.3, NM_001114382.3, NM_001363528.2 and 6 more transcripts); c.2713G>A, p.Ala905Thr (NM_001318832.2); and 3 more; short protein forms A446T, A845T, A875T, A894T, A905T, A740T, A857T, A924T.
Identifiers: ClinVar variation 1794682 (VCV001794682.4), dbSNP rs1379507306, ClinGen allele CA394279331.

ClinVar aggregate classification (germline): Uncertain significance. Review status: criteria provided, multiple submitters, no conflicts (2 of 4 stars). 2 submissions from 2 submitters: Uncertain significance (2). Last evaluated 2025-01-19.

Conditions:
Tuberous sclerosis 2 (TSC2). Identifiers: Orphanet 805, MedGen C1860707, MONDO:0013199, OMIM 613254.
Hereditary cancer-predisposing syndrome. Also called: Neoplastic Syndromes, Hereditary; Tumor predisposition; Hereditary neoplastic syndrome; Hereditary Cancer Syndrome. Identifiers: Orphanet 140162, MedGen C0027672, MeSH D009386, MONDO:0015356.

Submissions (2):

Labcorp Genetics (formerly Invitae), Labcorp
Classification: Uncertain significance for Tuberous sclerosis 2. Last evaluated: 2025-01-19. Review status: criteria provided, single submitter. Criteria: Invitae Variant Classification Sherloc (09022015). Collection method: clinical testing. Allele origin: germline.
Comment: This sequence change replaces alanine, which is neutral and non-polar, with threonine, which is neutral and polar, at codon 894 of the TSC2 protein (p.Ala894Thr). This variant is not present in population databases (gnomAD no frequency). This variant has not been reported in the literature in individuals affected with TSC2-related conditions. ClinVar contains an entry for this variant (Variation ID: 1794682). Invitae Evidence Modeling of protein sequence and biophysical properties (such as structural, functional, and spatial information, amino acid conservation, physicochemical variation, residue mobility, and thermodynamic stability) indicates that this missense variant is not expected to disrupt TSC2 protein function with a negative predictive value of 95%. In summary, the available evidence is currently insufficient to determine the role of this variant in disease. Therefore, it has been classified as a Variant of Uncertain Significance.

Ambry Genetics
Classification: Uncertain significance for Hereditary cancer-predisposing syndrome. Last evaluated: 2024-03-14. Review status: criteria provided, single submitter. Criteria: Ambry Variant Classification Scheme 2023. Collection method: clinical testing. Allele origin: germline.
Comment: The p.A894T variant (also known as c.2680G>A), located in coding exon 23 of the TSC2 gene, results from a G to A substitution at nucleotide position 2680. The alanine at codon 894 is replaced by threonine, an amino acid with similar properties. This amino acid position is highly conserved in available vertebrate species. In addition, this alteration is predicted to be deleterious by in silico analysis. Since supporting evidence is limited at this time, the clinical significance of this alteration remains unclear.